The following is an entry in ClinVar:

ClinVar aggregate classification (germline): Uncertain significance. Review status: criteria provided, multiple submitters, no conflicts (2 of 4 stars). 2 submissions from 2 submitters: Uncertain significance (2). Last evaluated 2025-03-23.

Conditions:
Cardiovascular phenotype. Identifiers: MedGen CN230736.

Allele frequency attached by ClinVar (database versions not stated): gnomAD exomes below 0.00001; ExAC 0.00001; gnomAD 0.00001; TOPMed 0.00003.
gnomAD v4.1: 5 of 1,613,878 alleles (0.00031%); highest among the groups gnomAD compares: African/African-American, 0.0027%; no homozygotes.

Submissions (2):

Ambry Genetics
Classification: Uncertain significance for Cardiovascular phenotype. Last evaluated: 2025-03-23. Review status: criteria provided, single submitter. Criteria: Ambry Variant Classification Scheme 2023. Collection method: clinical testing. Allele origin: germline.
Comment: The p.I1676M variant (also known as c.5028C>G), located in coding exon 11 of the ALPK3 gene, results from a C to G substitution at nucleotide position 5028. The isoleucine at codon 1676 is replaced by methionine, an amino acid with highly similar properties. This amino acid position is well conserved in available vertebrate species. In addition, this alteration is predicted to be tolerated by in silico analysis. Since supporting evidence is limited at this time, the clinical significance of this alteration remains unclear.

Labcorp Genetics (formerly Invitae), Labcorp
Classification: Uncertain significance. Last evaluated: 2023-10-22. Review status: criteria provided, single submitter. Criteria: Invitae Variant Classification Sherloc (09022015). Collection method: clinical testing. Allele origin: germline.
Comment: This sequence change replaces isoleucine, which is neutral and non-polar, with methionine, which is neutral and non-polar, at codon 1676 of the ALPK3 protein (p.Ile1676Met). This variant is present in population databases (rs777635629, gnomAD 0.0009%). This variant has not been reported in the literature in individuals affected with ALPK3-related conditions. ClinVar contains an entry for this variant (Variation ID: 1744867). An algorithm developed to predict the effect of missense changes on protein structure and function (PolyPhen-2) suggests that this variant is likely to be disruptive. In summary, the available evidence is currently insufficient to determine the role of this variant in disease. Therefore, it has been classified as a Variant of Uncertain Significance.

NM_020778.5(ALPK3):c.4422C>G (p.Ile1474Met)

Gene: ALPK3 (alpha kinase 3; plus strand). Cytogenetic location: 15q25.3.
Variant type: single nucleotide variant.
Coding change: c.4422C>G on transcript NM_020778.5 (MANE Select); coding-DNA position 4422, C replaced by G.
Protein change: p.Ile1474Met; replaces isoleucine 1474 with methionine.
Molecular consequence: missense variant.
Genome position (GRCh38, 1-based): chr15:84,863,563, C>G. VCF-style: chr15-84863563-C-G. GRCh37 (hg19) VCF-style: chr15-85406794-C-G.
Other names: short protein forms I1474M.
Identifiers: ClinVar variation 1744867 (VCV001744867.6), dbSNP rs777635629, ClinGen allele CA7709965.